The following is an entry in ClinVar:

ClinVar aggregate classification (germline): Pathogenic/Likely pathogenic. Review status: criteria provided, multiple submitters, no conflicts (2 of 4 stars). 2 submissions from 2 submitters: Pathogenic (1); Likely pathogenic (1). Last evaluated 2024-12-26.

Conditions:
Nemaline myopathy 8 (NEM8). Also called: Nemaline myopathy 8, autosomal recessive. Identifiers: Orphanet 171430, MedGen C3809209, MONDO:0014138, OMIM 615348.

Allele frequency attached by ClinVar (database versions not stated): gnomAD exomes 0.00001.
gnomAD v4.1: 9 of 1,614,142 alleles (0.00056%); highest among the groups gnomAD compares: South Asian, 0.0011%; no homozygotes.

Submissions (2):

Labcorp Genetics (formerly Invitae), Labcorp
Classification: Pathogenic for Nemaline myopathy 8. Last evaluated: 2024-12-26. Review status: criteria provided, single submitter. Criteria: Invitae Variant Classification Sherloc (09022015). Collection method: clinical testing. Allele origin: germline.
Comment: This sequence change creates a premature translational stop signal (p.Gln497*) in the KLHL40 gene. It is expected to result in an absent or disrupted protein product. Loss-of-function variants in KLHL40 are known to be pathogenic (PMID: 23746549). This variant is not present in population databases (gnomAD no frequency). This variant has not been reported in the literature in individuals affected with KLHL40-related conditions. ClinVar contains an entry for this variant (Variation ID: 1029196). For these reasons, this variant has been classified as Pathogenic.

Baylor Genetics
Classification: Likely pathogenic for Nemaline myopathy 8. Last evaluated: 2019-08-03. Review status: criteria provided, single submitter. Criteria: ACMG Guidelines, 2015. Collection method: clinical testing. Allele origin: unknown. Affected: yes.
Comment: This variant was determined to be likely pathogenic according to ACMG Guidelines, 2015 [PMID:25741868].

Literature cited by the submitters: PubMed 23746549 (cited by Labcorp Genetics (formerly Invitae), Labcorp).

NM_152393.4(KLHL40):c.1489C>T (p.Gln497Ter)

Gene: KLHL40 (kelch like family member 40; plus strand). Cytogenetic location: 3p22.1.
Variant type: single nucleotide variant.
Coding change: c.1489C>T on transcript NM_152393.4 (MANE Select); coding-DNA position 1489, C replaced by T.
Protein change: p.Gln497Ter; replaces glutamine 497 with a stop codon.
Molecular consequence: nonsense.
Genome position (GRCh38, 1-based): chr3:42,688,936, C>T. VCF-style: chr3-42688936-C-T. GRCh37 (hg19) VCF-style: chr3-42730428-C-T.
Other names: short protein forms Q497*.
Identifiers: ClinVar variation 1029196 (VCV001029196.3), dbSNP rs1697319878, ClinGen allele CA352294651.